The following is an entry in ClinVar:

ClinVar aggregate classification (germline): Uncertain significance (1 of 4 stars; one submission).

gnomAD v4.1: 2 of 1,613,004 alleles (0.00012%); highest among the groups gnomAD compares: Non-Finnish European, 0.00017%; no homozygotes.

Submission:

Labcorp Genetics (formerly Invitae), Labcorp
Classification: Uncertain significance. Last evaluated: 2025-09-06. Review status: criteria provided, single submitter. Criteria: Invitae Variant Classification Sherloc (09022015). Collection method: clinical testing. Allele origin: germline.
Comment: This sequence change replaces arginine, which is basic and polar, with histidine, which is basic and polar, at codon 361 of the MAST1 protein (p.Arg361His). This variant is not present in population databases (gnomAD no frequency). This variant has not been reported in the literature in individuals affected with MAST1-related conditions. An algorithm developed to predict the effect of missense changes on protein structure and function (PolyPhen-2) suggests that this variant is likely to be tolerated. In summary, the available evidence is currently insufficient to determine the role of this variant in disease. Therefore, it has been classified as a Variant of Uncertain Significance.

NM_014975.3(MAST1):c.1082G>A (p.Arg361His)

Gene: MAST1 (microtubule associated serine/threonine kinase 1; plus strand). Cytogenetic location: 19p13.13.
Variant type: single nucleotide variant.
Coding change: c.1082G>A on transcript NM_014975.3 (MANE Select); coding-DNA position 1082, G replaced by A.
Protein change: p.Arg361His; replaces arginine 361 with histidine.
Molecular consequence: missense variant.
Genome position (GRCh38, 1-based): chr19:12,858,366, G>A. VCF-style: chr19-12858366-G-A. GRCh37 (hg19) VCF-style: chr19-12969180-G-A.
Other names: short protein forms R361H.
Identifiers: ClinVar variation 4769821 (VCV004769821.1).